The following is an entry in ClinVar:

NM_000548.5(TSC2):c.5083G>A (p.Val1695Met)

Gene: TSC2 (TSC complex subunit 2; plus strand). Cytogenetic location: 16p13.3.
Variant type: single nucleotide variant.
Coding change: c.5083G>A on transcript NM_000548.5 (MANE Select); coding-DNA position 5083, G replaced by A.
Protein change: p.Val1695Met; replaces valine 1695 with methionine.
Molecular consequence: missense variant. On other transcripts: non-coding transcript variant (5).
Genome position (GRCh38, 1-based): chr16:2,088,062, G>A. VCF-style: chr16-2088062-G-A. GRCh37 (hg19) VCF-style: chr16-2138063-G-A.
Other names: c.5080G>A, p.Val1694Met (NM_001406663.1); c.5011G>A, p.Val1671Met (NM_001406664.1); c.5005G>A, p.Val1669Met (NM_001406665.1); c.4975G>A, p.Val1659Met (NM_001406667.1); c.4972G>A, p.Val1658Met (NM_001406668.1); c.4903G>A, p.Val1635Met (NM_001406670.1); c.4873G>A, p.Val1625Met (NM_001406671.1); c.4870G>A, p.Val1624Met (NM_001406673.1); and 26 more; short protein forms V1094M, V1224M, V1429M, V1579M, V1591M, V1609M, V1624M, V1628M.
Identifiers: ClinVar variation 2910390 (VCV002910390.4), dbSNP rs2151620184, ClinGen allele CA394312016.

ClinVar aggregate classification (germline): Uncertain significance. Review status: criteria provided, multiple submitters, no conflicts (2 of 4 stars). 2 submissions from 2 submitters: Uncertain significance (2). Last evaluated 2024-05-24.

Conditions:
Tuberous sclerosis 2 (TSC2). Identifiers: Orphanet 805, MedGen C1860707, MONDO:0013199, OMIM 613254.
Hereditary cancer-predisposing syndrome. Also called: Neoplastic Syndromes, Hereditary; Tumor predisposition; Hereditary neoplastic syndrome; Hereditary Cancer Syndrome. Identifiers: Orphanet 140162, MedGen C0027672, MeSH D009386, MONDO:0015356.

Allele frequency attached by ClinVar (database versions not stated): gnomAD exomes below 0.00001.
gnomAD v4.1: 2 of 1,612,746 alleles (0.00012%); highest among the groups gnomAD compares: East Asian, 0.0022%; no homozygotes.

Submissions (2):

Ambry Genetics
Classification: Uncertain significance for Hereditary cancer-predisposing syndrome. Last evaluated: 2024-05-24. Review status: criteria provided, single submitter. Criteria: Ambry Variant Classification Scheme 2023. Collection method: clinical testing. Allele origin: germline.
Comment: The p.V1695M variant (also known as c.5083G>A), located in coding exon 39 of the TSC2 gene, results from a G to A substitution at nucleotide position 5083. The valine at codon 1695 is replaced by methionine, an amino acid with highly similar properties. This alteration was identified in an individual with a clinical diagnosis of tuberous sclerosis; however this individual was also found to carry a gross deletion of exons 4-10 in TSC2 (Cammarata-Scalisi F et al. J Eur Acad Dermatol Venereol, 2018 Jun;32:e243-e245). This amino acid position is well conserved in available vertebrate species. In addition, this alteration is predicted to be deleterious by in silico analysis. Based on the available evidence, the clinical significance of this variant remains unclear.

Labcorp Genetics (formerly Invitae), Labcorp
Classification: Uncertain significance for Tuberous sclerosis 2. Last evaluated: 2022-11-02. Review status: criteria provided, single submitter. Criteria: Invitae Variant Classification Sherloc (09022015). Collection method: clinical testing. Allele origin: germline.
Comment: Advanced modeling of protein sequence and biophysical properties (such as structural, functional, and spatial information, amino acid conservation, physicochemical variation, residue mobility, and thermodynamic stability) performed at Invitae indicates that this missense variant is not expected to disrupt TSC2 protein function. In summary, the available evidence is currently insufficient to determine the role of this variant in disease. Therefore, it has been classified as a Variant of Uncertain Significance. This missense change has been observed in individual(s) with tuberous sclerosis complex (PMID: 29265517). This variant is not present in population databases (gnomAD no frequency). This sequence change replaces valine, which is neutral and non-polar, with methionine, which is neutral and non-polar, at codon 1695 of the TSC2 protein (p.Val1695Met).

Literature cited by the submitters: PubMed 29265517 (cited by Ambry Genetics and Labcorp Genetics (formerly Invitae), Labcorp).